The following is an entry in ClinVar:

ClinVar aggregate classification (germline): Pathogenic (1 of 4 stars; one submission).

Conditions:
Frontotemporal dementia (FTD1). Also called: Frontotemporal lobe dementia (FLDEM); Frontotemporal Dementia with Parkinsonism-17 (FTDP-17); FRONTOTEMPORAL DEMENTIA WITH PARKINSONISM; FRONTOTEMPORAL LOBE DEMENTIA; MULTIPLE SYSTEM TAUOPATHY WITH PRESENILE DEMENTIA; WILHELMSEN-LYNCH DISEASE. Identifiers: Orphanet 282, MedGen C0338451, MONDO:0017276, OMIM 600274, HP:0002145.

Submission:

Human Genetics Group at Institute of Prion Diseases London, University College London
Classification: Pathogenic for Frontotemporal dementia. Last evaluated: 2017-02-01. Review status: criteria provided, single submitter. Criteria: Koriath et al. 2018. Collection method: clinical testing. Allele origin: inherited. Affected: yes. Observed: 1 variant allele.
Comment: This result confirms the diagnosis of a GRN-related dementia. This 2-bp duplication in granulin exon 8 causes a frameshift and a premature STOP, 3 codons downstream. Although this specific sequence change has not been previously reported, several pathogenic frameshift mutations in GRN have been previously described in the literature1.

Confirmed by Sanger sequencing

NM_002087.4(GRN):c.759_760dup (p.Asp254fs)

Gene: GRN (granulin precursor; plus strand). Cytogenetic location: 17q21.31.
Variant type: Microsatellite.
Coding change: c.759_760dup on transcript NM_002087.4 (MANE Select); coding-DNA positions 759 to 760, 2 bases duplicated (TG; older notation c.759_760dupTG).
Protein change: p.Asp254fs; shifts the reading frame from aspartic acid 254.
Molecular consequence: frameshift variant.
Genome position (GRCh38, 1-based): chr17:44,351,087-44,351,088, TG duplicated; duplicating any 2 consecutive bases within chr17:44,351,081-44,351,088 gives the same sequence; the c. name uses the placement nearest the transcript's 3' end. VCF-style (leftmost placement, unchanged base first): chr17-44351080-C-CTG. GRCh37 (hg19) VCF-style: chr17-42428448-C-CTG.
Other names: short protein forms D254fs.
Identifiers: ClinVar variation 599610 (VCV000599610.1), dbSNP rs63751035, ClinGen allele CA290926113.
Genomic context (GRCh38, chr17:44,351,080, plus strand): 5'-CCCCTGTCCCCACTCAGGCCACCTGCTGCTCCGATCACCTGCACTGCTGCCCCCAAGACA[C>CTG]TGTGTGTGACCTGATCCAGAGTAAGTGCCTCTCCAAGGAGAACGCTACCACGGACCTCCT-3'